The following is an entry in ClinVar:

NM_000535.7(PMS2):c.2445+9A>T

Gene: PMS2 (PMS1 homolog 2, mismatch repair system component; minus strand). Cytogenetic location: 7p22.1.
Variant type: single nucleotide variant.
Coding change: c.2445+9A>T on transcript NM_000535.7 (MANE Select); 9 bases into the intron after coding-DNA position 2445, A replaced by T.
Molecular consequence: intron variant.
Genome position (GRCh38, 1-based): chr7:5,977,579, T>A on the plus strand (A>T on the coding strand, the complement: PMS2 is on the minus strand). VCF-style: chr7-5977579-T-A. GRCh37 (hg19) VCF-style: chr7-6017210-T-A.
Other names: c.2127+9A>T (NM_001322008.2, NM_001406883.1, NM_001322007.2); c.2136+9A>T (NM_001406881.1, NM_001406879.1, NM_001322015.2 and 4 more transcripts); c.2040+9A>T (NM_001406895.1, NM_001322004.2, NM_001406889.1 and 11 more transcripts); c.1674+9A>T (NM_001406911.1); c.1884+9A>T (NM_001322010.2, NM_001406906.1, NM_001406907.1); c.1971+9A>T (NM_001406902.1, NM_001406901.1); c.1932+9A>T (NM_001406904.1, NM_001406905.1); c.1872+9A>T (NM_001322013.2, NM_001406908.1, NM_001406909.1); and 20 more.
Identifiers: ClinVar variation 2731038 (VCV002731038.4), dbSNP rs1562600132, ClinGen allele CA2697553817.
Genomic context (GRCh38, chr7:5,977,579, plus strand): 5'-GCTGGGCTGAGACCTTCCTCGACTGCAAGCTTGAGCAGCTGAGCTGACAGCCAGGCTTTC[T>A]TTACTTACCGACTTCCGGCAGGCTCTGGAGGCAAACATCTGCTTGACTCGGGAAGGCCGG-3'

ClinVar aggregate classification (germline): Likely benign. Review status: criteria provided, multiple submitters, no conflicts (2 of 4 stars). 2 submissions from 2 submitters: Likely benign (2). Last evaluated 2025-10-19.

Conditions:
Lynch syndrome 4 (LYNCH4). Also called: Colorectal cancer, hereditary nonpolyposis, type 4; Hereditary non-polyposis colorectal cancer, type 4. Identifiers: Orphanet 144, MedGen C1838333, MONDO:0013699, OMIM 614337. Disease mechanism: loss of function.
Hereditary nonpolyposis colorectal neoplasms. Identifiers: MedGen C0009405, MeSH D003123.

Submissions (2):

Labcorp Genetics (formerly Invitae), Labcorp
Classification: Likely benign for Hereditary nonpolyposis colorectal neoplasms. Last evaluated: 2025-10-19. Review status: criteria provided, single submitter. Criteria: Invitae Variant Classification Sherloc (09022015). Collection method: clinical testing. Allele origin: germline.

Myriad Genetics, Inc.
Classification: Likely benign for Lynch syndrome 4. Last evaluated: 2025-02-04. Review status: criteria provided, single submitter. Criteria: Myriad Autosomal Dominant, Autosomal Recessive and X-Linked Classification Criteria (2023). Collection method: clinical testing. Allele origin: unknown.
Comment: This variant is considered likely benign. This variant is intronic and is not expected to impact mRNA splicing.